The following is an entry in ClinVar:

NM_001040108.2(MLH3):c.676A>G (p.Ile226Val)

Gene: MLH3 (mutL homolog 3; minus strand). Cytogenetic location: 14q24.3.
Variant type: single nucleotide variant.
Coding change: c.676A>G on transcript NM_001040108.2 (MANE Select); coding-DNA position 676, A replaced by G.
Protein change: p.Ile226Val; replaces isoleucine 226 with valine.
Molecular consequence: missense variant.
Genome position (GRCh38, 1-based): chr14:75,048,980, T>C on the plus strand (A>G on the coding strand, the complement: MLH3 is on the minus strand). VCF-style: chr14-75048980-T-C. GRCh37 (hg19) VCF-style: chr14-75515683-T-C.
Other names: c.676A>G, p.Ile226Val (NM_014381.3); short protein forms I226V.
Identifiers: ClinVar variation 2561669 (VCV002561669.2), dbSNP rs2503320485, ClinGen allele CA390449638.

ClinVar aggregate classification (germline): Uncertain significance (1 of 4 stars; one submission).

Submission:

Ambry Genetics
Classification: Uncertain significance. Last evaluated: 2023-06-09. Review status: criteria provided, single submitter. Criteria: Ambry Variant Classification Scheme 2023. Collection method: clinical testing. Allele origin: germline.
Comment: The p.I226V variant (also known as c.676A>G), located in coding exon 1 of the MLH3 gene, results from an A to G substitution at nucleotide position 676. The isoleucine at codon 226 is replaced by valine, an amino acid with highly similar properties. This amino acid position is conserved. In addition, this alteration is predicted to be tolerated by in silico analysis. Since supporting evidence is limited at this time, the clinical significance of this alteration remains unclear.